The following is an entry in ClinVar:

NM_021098.3(CACNA1H):c.1142T>G (p.Val381Gly)

Gene: CACNA1H (calcium voltage-gated channel subunit alpha1 H; plus strand). Cytogenetic location: 16p13.3.
Variant type: single nucleotide variant.
Coding change: c.1142T>G on transcript NM_021098.3 (MANE Select); coding-DNA position 1142, T replaced by G.
Protein change: p.Val381Gly; replaces valine 381 with glycine.
Molecular consequence: missense variant.
Genome position (GRCh38, 1-based): chr16:1,200,738, T>G. VCF-style: chr16-1200738-T-G. GRCh37 (hg19) VCF-style: chr16-1250738-T-G.
Other names: c.1142T>G, p.Val381Gly (NM_001005407.2); short protein forms V381G.
Identifiers: ClinVar variation 1321047 (VCV001321047.5), dbSNP rs932024389, ClinGen allele CA276648375.

ClinVar aggregate classification (germline): Uncertain significance. Review status: criteria provided, multiple submitters, no conflicts (2 of 4 stars). 3 submissions from 3 submitters: Uncertain significance (3). Last evaluated 2025-06-23.

Conditions:
Inborn genetic diseases. Identifiers: MedGen C0950123, MeSH D030342.
Idiopathic generalized epilepsy. Also called: Generalised epilepsy; EIG. Identifiers: MedGen C0270850, MONDO:0005579, OMIM 600669.
Hyperaldosteronism, familial, type IV (HALD4). Also called: FH IV; ALDOSTERONISM, PRIMARY, AND HYPERTENSION. Identifiers: Orphanet 642671, MedGen C4310756, MONDO:0014875, OMIM 617027.

Allele frequency attached by ClinVar (database versions not stated): gnomAD exomes below 0.00001.

Submissions (3):

Ambry Genetics
Classification: Uncertain significance for Inborn genetic diseases. Last evaluated: 2025-06-23. Review status: criteria provided, single submitter. Criteria: Ambry Variant Classification Scheme 2023. Collection method: clinical testing. Allele origin: germline.

Labcorp Genetics (formerly Invitae), Labcorp
Classification: Uncertain significance for Idiopathic generalized epilepsy; Hyperaldosteronism, familial, type IV. Last evaluated: 2024-11-04. Review status: criteria provided, single submitter. Criteria: Invitae Variant Classification Sherloc (09022015). Collection method: clinical testing. Allele origin: germline.
Comment: This sequence change replaces valine, which is neutral and non-polar, with glycine, which is neutral and non-polar, at codon 381 of the CACNA1H protein (p.Val381Gly). This variant is not present in population databases (gnomAD no frequency). This variant has not been reported in the literature in individuals affected with CACNA1H-related conditions. ClinVar contains an entry for this variant (Variation ID: 1321047). Invitae Evidence Modeling of protein sequence and biophysical properties (such as structural, functional, and spatial information, amino acid conservation, physicochemical variation, residue mobility, and thermodynamic stability) indicates that this missense variant is expected to disrupt CACNA1H protein function with a positive predictive value of 80%. In summary, the available evidence is currently insufficient to determine the role of this variant in disease. Therefore, it has been classified as a Variant of Uncertain Significance.

GeneDx
Classification: Uncertain significance. Last evaluated: 2019-07-15. Review status: criteria provided, single submitter. Criteria: GeneDx Variant Classification Process June 2021. Collection method: clinical testing. Allele origin: germline. Affected: yes.
Comment: Has not been previously published as pathogenic or benign to our knowledge; Not observed in large population cohorts (Lek et al., 2016); In silico analysis, which includes protein predictors and evolutionary conservation, supports a deleterious effect